The following is an entry in ClinVar:

NM_138422.4(ADAT3):c.1001G>T (p.Gly334Val)

Genes: ADAT3 (adenosine deaminase tRNA specific 3; plus strand), SCAMP4 (secretory carrier membrane protein 4; plus strand). Cytogenetic location: 19p13.3.
Variant type: single nucleotide variant.
Coding change: c.1001G>T on transcript NM_138422.4 (MANE Select); coding-DNA position 1001, G replaced by T.
Protein change: p.Gly334Val; replaces glycine 334 with valine.
Molecular consequence: missense variant. On other transcripts: intron variant (3).
Genome position (GRCh38, 1-based): chr19:1,913,048, G>T. VCF-style: chr19-1913048-G-T. GRCh37 (hg19) VCF-style: chr19-1913047-G-T.
Other names: c.953G>T, p.Gly318Val (NM_001329533.2); c.-41-1931G>T (NM_079834.4, NM_001329540.2); c.-125-4646G>T (NM_001329539.2); short protein forms G318V, G334V.
Identifiers: ClinVar variation 1032417 (VCV001032417.1), dbSNP rs753590636, ClinGen allele CA403173574.
Genomic context (GRCh38, chr19:1,913,048, plus strand): 5'-TGGTGCACGCACGCATCCTGCGCGTCTTCTACGGTGCGCCCTCGCCCGACGGCGCCCTGG[G>T]CACCCGCTTCCGCATCCACGCACGGCCCGACCTCAACCACCGCTTCCAGGTGTTCCGCGG-3'
Protein context (NP_612431.2, residues 324-344): YGAPSPDGAL[Gly334Val]TRFRIHARPD

ClinVar aggregate classification (germline): Uncertain significance (1 of 4 stars; one submission).

Conditions:
Intellectual disability-strabismus syndrome (NEDBGF). Also called: NEURODEVELOPMENTAL DISORDER WITH BRAIN ABNORMALITIES, POOR GROWTH, AND DYSMORPHIC FACIES. Identifiers: Orphanet 363528, MedGen C4750838, MONDO:0014119, OMIM 615286.

Submission:

Baylor Genetics
Classification: Uncertain significance for Intellectual disability-strabismus syndrome. Last evaluated: 2018-01-02. Review status: criteria provided, single submitter. Criteria: ACMG Guidelines, 2015. Collection method: clinical testing. Allele origin: paternal. Affected: yes.
Comment: This variant was determined to be of uncertain significance according to ACMG Guidelines, 2015 [PMID:25741868].